The following is an entry in ClinVar:

NM_001972.4(ELANE):c.236C>A (p.Ala79Glu)

Gene: ELANE (elastase, neutrophil expressed; plus strand). Cytogenetic location: 19p13.3.
Variant type: single nucleotide variant.
Coding change: c.236C>A on transcript NM_001972.4 (MANE Select); coding-DNA position 236, C replaced by A.
Protein change: p.Ala79Glu; replaces alanine 79 with glutamic acid.
Molecular consequence: missense variant.
Genome position (GRCh38, 1-based): chr19:853,273, C>A. VCF-style: chr19-853273-C-A. GRCh37 (hg19) VCF-style: chr19-853273-C-A.
Other names: short protein forms A79E.
Identifiers: ClinVar variation 4017393 (VCV004017393.1).
Genomic context (GRCh38, chr19:853,273, plus strand): 5'-CCCCGACCCCCGGGGCCGCCCCTGAGCCCCGCCTCTCCCTCCCCGGCAGAAACGTCCGCG[C>A]GGTGCGGGTGGTCCTGGGAGCCCATAACCTCTCGCGGCGGGAGCCCACCCGGCAGGTGTT-3'
Protein context (NP_001963.1, residues 69-89): AHCVANVNVR[Ala79Glu]VRVVLGAHNL

ClinVar aggregate classification (germline): Uncertain significance (1 of 4 stars; one submission).

Conditions:
Inborn genetic diseases. Identifiers: MedGen C0950123, MeSH D030342.

gnomAD v4.1: 1 of 1,603,796 alleles (0.000062%); highest among the groups gnomAD compares: East Asian, 0.0023%; no homozygotes.

Submission:

Ambry Genetics
Classification: Uncertain significance for Inborn genetic diseases. Last evaluated: 2025-05-16. Review status: criteria provided, single submitter. Criteria: Ambry Variant Classification Scheme 2023. Collection method: clinical testing. Allele origin: germline.
Comment: The p.A79E variant (also known as c.236C>A), located in coding exon 3 of the ELANE gene, results from a C to A substitution at nucleotide position 236. The alanine at codon 79 is replaced by glutamic acid, an amino acid with dissimilar properties. This amino acid position is conserved. In addition, this alteration is predicted to be tolerated by in silico analysis. Based on the available evidence, the clinical significance of this variant remains unclear.